The following is an entry in ClinVar:

ClinVar aggregate classification (germline): Pathogenic (1 of 4 stars; one submission).

Conditions:
Hereditary cancer-predisposing syndrome. Also called: Hereditary neoplastic syndrome; Tumor predisposition; Hereditary Cancer Syndrome; Neoplastic Syndromes, Hereditary. Identifiers: Orphanet 140162, MedGen C0027672, MeSH D009386, MONDO:0015356.

Submission:

Ambry Genetics
Classification: Pathogenic for Hereditary cancer-predisposing syndrome. Last evaluated: 2023-07-05. Review status: criteria provided, single submitter. Criteria: Ambry Variant Classification Scheme 2023. Collection method: clinical testing. Allele origin: germline.
Comment: The c.225delT pathogenic mutation, located in coding exon 1 of the CHEK2 gene, results from a deletion of one nucleotide at nucleotide position 225, causing a translational frameshift with a predicted alternate stop codon (p.E76Rfs*34). This variant is considered to be rare based on population cohorts in the Genome Aggregation Database (gnomAD). This alteration is expected to result in loss of function by premature protein truncation or nonsense-mediated mRNA decay. As such, this alteration is interpreted as a disease-causing mutation.

NM_007194.4(CHEK2):c.225del (p.Glu76fs)

Gene: CHEK2 (checkpoint kinase 2; minus strand). Cytogenetic location: 22q12.1.
Variant type: Deletion.
Coding change: c.225del on transcript NM_007194.4 (MANE Select); coding-DNA position 225, one base deleted (T; older notation c.225delT).
Protein change: p.Glu76fs; shifts the reading frame from glutamic acid 76.
Molecular consequence: frameshift variant.
Genome position (GRCh38, 1-based): chr22:28,734,497, A deleted on the plus strand (T on the coding strand, the reverse complement: CHEK2 is on the minus strand). VCF-style (leftmost placement, unchanged base first): chr22-28734496-CA-C. GRCh37 (hg19) VCF-style: chr22-29130484-CA-C.
Other names: c.225delT, p.Glu76Argfs (NM_001005735.3, NM_001349956.3, NM_145862.3); c.-553delT (NM_001257387.3); short protein forms E76fs.
Identifiers: ClinVar variation 2586647 (VCV002586647.2), dbSNP rs2518129669, ClinGen allele CA2582342759.